The following is an entry in ClinVar:

NM_018489.3(ASH1L):c.5414G>A (p.Arg1805His)

Gene: ASH1L (ASH1 like histone lysine methyltransferase; minus strand). Cytogenetic location: 1q22.
Variant type: single nucleotide variant.
Coding change: c.5414G>A on transcript NM_018489.3 (MANE Select); coding-DNA position 5414, G replaced by A.
Protein change: p.Arg1805His; replaces arginine 1805 with histidine.
Molecular consequence: missense variant.
Genome position (GRCh38, 1-based): chr1:155,438,741, C>T on the plus strand (G>A on the coding strand, the complement: ASH1L is on the minus strand). VCF-style: chr1-155438741-C-T. GRCh37 (hg19) VCF-style: chr1-155408532-C-T.
Other names: c.5414G>A, p.Arg1805His (NM_001366177.2); short protein forms R1805H.
Identifiers: ClinVar variation 2672358 (VCV002672358.24), dbSNP rs757302359, ClinGen allele CA1146751.

ClinVar aggregate classification (germline): Uncertain significance. Review status: criteria provided, multiple submitters, no conflicts (2 of 4 stars). 2 submissions from 2 submitters: Uncertain significance (2). Last evaluated 2026-01-06.

Allele frequency attached by ClinVar (database versions not stated): ExAC 0.00001; gnomAD 0.00001; gnomAD exomes 0.00001.
gnomAD v4.1: 4 of 1,613,924 alleles (0.00025%); highest among the groups gnomAD compares: East Asian, 0.0022%; no homozygotes.

Submissions (2):

Women's Health and Genetics/Laboratory Corporation of America, LabCorp
Classification: Uncertain significance. Last evaluated: 2026-01-06. Review status: criteria provided, single submitter. Criteria: LabCorp Variant Classification Summary - May 2015. Collection method: clinical testing. Allele origin: germline.
Comment: Variant summary: ASH1L c.5414G>A (p.Arg1805His) results in a non-conservative amino acid change in the encoded protein sequence. Algorithms developed to predict the effect of missense changes on protein structure and function are either unavailable or do not agree on the potential impact of this missense change. The variant allele was found at a frequency of 4e-06 in 251376 control chromosomes. The available data on variant occurrences in the general population are insufficient to allow any conclusion about variant significance. To our knowledge, no occurrence of c.5414G>A in individuals affected with ASH1L-related conditions and no experimental evidence demonstrating its impact on protein function have been reported. ClinVar contains an entry for this variant (Variation ID: 2672358). Based on the evidence outlined above, the variant was classified as uncertain significance.

CeGaT Center for Human Genetics Tuebingen
Classification: Uncertain significance. Last evaluated: 2023-11-01. Review status: criteria provided, single submitter. Criteria: CeGaT Center For Human Genetics Tuebingen Variant Classification Criteria Version 2. Collection method: clinical testing. Allele origin: germline. Affected: yes. Observed: 1 variant allele.